The following is an entry in ClinVar:

NM_001267550.2(TTN):c.66159T>A (p.Tyr22053Ter)

Genes: TTN (titin; minus strand), TTN-AS1 (TTN antisense RNA 1; plus strand). Cytogenetic location: 2q31.2.
Variant type: single nucleotide variant.
Coding change: c.66159T>A on transcript NM_001267550.2 (MANE Select); coding-DNA position 66159, T replaced by A.
Protein change: p.Tyr22053Ter; replaces tyrosine 22053 with a stop codon.
Molecular consequence: nonsense.
Genome position (GRCh38, 1-based): chr2:178,582,297, A>T on the plus strand (T>A on the coding strand, the complement: TTN is on the minus strand). VCF-style: chr2-178582297-A-T. GRCh37 (hg19) VCF-style: chr2-179447024-A-T.
Other names: c.61236T>A, p.Tyr20412Ter (NM_001256850.1); c.38964T>A, p.Tyr12988Ter (NM_003319.4); c.58455T>A, p.Tyr19485Ter (NM_133378.4); c.39339T>A, p.Tyr13113Ter (NM_133432.3); c.39540T>A, p.Tyr13180Ter (NM_133437.4); short protein forms Y19485*, Y20412*, Y12988*, Y13180*, Y22053*, Y13113*.
Identifiers: ClinVar variation 1735940 (VCV001735940.2), dbSNP rs760885240, ClinGen allele CA349429754.

ClinVar aggregate classification (germline): Likely pathogenic (1 of 4 stars; one submission).

Conditions:
Cardiovascular phenotype. Identifiers: MedGen CN230736.

Submission:

Ambry Genetics
Classification: Likely pathogenic for Cardiovascular phenotype. Last evaluated: 2021-02-19. Review status: criteria provided, single submitter. Criteria: Ambry Variant Classification Scheme 2023. Collection method: clinical testing. Allele origin: germline.
Comment: The p.Y12988* variant (also known as c.38964T>A), located in coding exon 141 of the TTN gene, results from a T to A substitution at nucleotide position 38964. This changes the amino acid from a tyrosine to a stop codon within coding exon 141. This exon is located in the A-band region of the N2-B isoform of the titin protein and is constitutively expressed in TTN transcripts (percent spliced in or PSI 100%). This alteration is expected to result in loss of function by premature protein truncation or nonsense-mediated mRNA decay. While truncating variants in TTN are present in 1-3% of the general population, truncating variants in the A-band are the most common cause of dilated cardiomyopathy (DCM) (Herman DS et al. N. Engl. J. Med., 2012 Feb;366:619-28; Roberts AM et al. Sci Transl Med, 2015 Jan;7:270ra6). TTN truncating variants encoded in constitutive exons (PSI >90%) have been found to be significantly associated with DCM regardless of their position in titin (Schafer S et al. Nat. Genet., 2017 01;49:46-53). As such, this alteration is classified as likely pathogenic.